The following is an entry in ClinVar:

NM_178862.3(STT3B):c.1342A>G (p.Ile448Val)

Gene: STT3B (STT3 oligosaccharyltransferase complex catalytic subunit B; plus strand). Cytogenetic location: 3p23.
Variant type: single nucleotide variant.
Coding change: c.1342A>G on transcript NM_178862.3 (MANE Select); coding-DNA position 1342, A replaced by G.
Protein change: p.Ile448Val; replaces isoleucine 448 with valine.
Molecular consequence: missense variant.
Genome position (GRCh38, 1-based): chr3:31,622,111, A>G. VCF-style: chr3-31622111-A-G. GRCh37 (hg19) VCF-style: chr3-31663603-A-G.
Other names: short protein forms I448V.
Identifiers: ClinVar variation 849370 (VCV000849370.8), dbSNP rs559861697, ClinGen allele CA2295194.
Genomic context (GRCh38, chr3:31,622,111, plus strand): 5'-GGAACTTTTTCCCTCCAACATATTGTAAGAGAATTTGTCTTTGCAGTTGCTCTATATGCA[A>G]TCAGTGCTGTCTACTTTGCTGGAGTGATGGTGCGACTGATGTTGACTTTGACTCCAGTCG-3'
Protein context (NP_849193.1, residues 438-458): DERVFVALYA[Ile448Val]SAVYFAGVMV

ClinVar aggregate classification (germline): Uncertain significance (1 of 4 stars; one submission).

Conditions:
STT3B-congenital disorder of glycosylation. Also called: Congenital disorder of glycosylation type 1x; CDG Ix; STT3B-CDG. Identifiers: Orphanet 370924, MedGen C2931007, MONDO:0014271, OMIM 615597.

Allele frequency attached by ClinVar (database versions not stated): gnomAD 0.00001; gnomAD exomes 0.00001 and 0.00003; TOPMed 0.00001; ExAC 0.00004; 1000 Genomes Project 0.00020; 1000 Genomes Project 30x 0.00031.
gnomAD v4.1: 28 of 1,613,924 alleles (0.0017%); highest among the groups gnomAD compares: East Asian, 0.013%; no homozygotes.

Submission:

Labcorp Genetics (formerly Invitae), Labcorp
Classification: Uncertain significance for STT3B-congenital disorder of glycosylation. Last evaluated: 2022-10-24. Review status: criteria provided, single submitter. Criteria: Invitae Variant Classification Sherloc (09022015). Collection method: clinical testing. Allele origin: germline.
Comment: This variant is present in population databases (rs559861697, gnomAD 0.02%). In summary, the available evidence is currently insufficient to determine the role of this variant in disease. Therefore, it has been classified as a Variant of Uncertain Significance. Algorithms developed to predict the effect of missense changes on protein structure and function (SIFT, PolyPhen-2, Align-GVGD) all suggest that this variant is likely to be tolerated. ClinVar contains an entry for this variant (Variation ID: 849370). This variant has not been reported in the literature in individuals affected with STT3B-related conditions. This sequence change replaces isoleucine, which is neutral and non-polar, with valine, which is neutral and non-polar, at codon 448 of the STT3B protein (p.Ile448Val).